The following is an entry in ClinVar:

ClinVar aggregate classification (germline): Uncertain significance (1 of 4 stars; one submission).

Conditions:
Inborn genetic diseases. Identifiers: MedGen C0950123, MeSH D030342.

Submission:

Ambry Genetics
Classification: Uncertain significance for Inborn genetic diseases. Last evaluated: 2024-01-06. Review status: criteria provided, single submitter. Criteria: Ambry Variant Classification Scheme 2023. Collection method: clinical testing. Allele origin: germline.
Comment: The p.S168G variant (also known as c.502A>G), located in coding exon 3 of the CAV1 gene, results from an A to G substitution at nucleotide position 502. The serine at codon 168 is replaced by glycine, an amino acid with similar properties. This amino acid position is conserved. In addition, the in silico prediction for this alteration is inconclusive. Since supporting evidence is limited at this time, the clinical significance of this alteration remains unclear.

NM_001753.5(CAV1):c.502A>G (p.Ser168Gly)

Gene: CAV1 (caveolin 1; plus strand). Cytogenetic location: 7q31.2.
Variant type: single nucleotide variant.
Coding change: c.502A>G on transcript NM_001753.5 (MANE Select); coding-DNA position 502, A replaced by G.
Protein change: p.Ser168Gly; replaces serine 168 with glycine.
Molecular consequence: missense variant.
Genome position (GRCh38, 1-based): chr7:116,559,252, A>G. VCF-style: chr7-116559252-A-G. GRCh37 (hg19) VCF-style: chr7-116199306-A-G.
Other names: c.409A>G, p.Ser137Gly (NM_001172895.1, NM_001172896.2, NM_001172897.2); short protein forms S137G, S168G.
Identifiers: ClinVar variation 3221777 (VCV003221777.1), dbSNP rs2485220165, ClinGen allele CA369117625.